The following is an entry in ClinVar:

ClinVar aggregate classification (germline): Likely pathogenic. Review status: criteria provided, multiple submitters, no conflicts (2 of 4 stars). 2 submissions from 2 submitters: Likely pathogenic (2). Last evaluated 2024-11-08.

Conditions:
Intellectual developmental disorder with dysmorphic facies and behavioral abnormalities. Identifiers: MedGen C4748135, MONDO:0060760, OMIM 618089.

Submissions (2):

3billion
Classification: Likely pathogenic for Intellectual developmental disorder with dysmorphic facies and behavioral abnormalities. Last evaluated: 2024-11-08. Review status: criteria provided, single submitter. Criteria: ACMG Guidelines, 2015. Collection method: clinical testing. Allele origin: germline. Affected: yes.
Comment: The variant is not observed in the gnomAD v4.1.0 dataset. Predicted Consequence/Location: Missense variant In silico tool predictions suggest damaging effect of the variant on gene or gene product [REVEL: 0.71 (>=0.6, sensitivity 0.68 and specificity 0.92); 3Cnet: 0.65 (>=0.6, sensitivity 0.72 and precision 0.9)]. The same nucleotide change resulting in the same amino acid change has been previously reported to be associated with FBXO11 related disorder (ClinVar ID: VCV001329873 /PMID: 34505148).The variant has been previously reported as de novo in a similarly affected individual (PMID: 34505148). Therefore, this variant is classified as Likely pathogenic according to the recommendation of ACMG/AMP guideline.

Institute of Human Genetics, University of Leipzig Medical Center
Classification: Likely pathogenic for Intellectual developmental disorder with dysmorphic facies and behavioral abnormalities. Last evaluated: 2021-12-21. Review status: criteria provided, single submitter. Criteria: ACMG Guidelines, 2015. Collection method: research. Allele origin: de novo. Affected: yes.

Literature cited by the submitters: PubMed 34505148 (cited by 3billion and Institute of Human Genetics, University of Leipzig Medical Center).

NM_001190274.2(FBXO11):c.2125A>G (p.Met709Val)

Gene: FBXO11 (F-box protein 11; minus strand). Cytogenetic location: 2p16.3.
Variant type: single nucleotide variant.
Coding change: c.2125A>G on transcript NM_001190274.2 (MANE Select); coding-DNA position 2125, A replaced by G.
Protein change: p.Met709Val; replaces methionine 709 with valine.
Molecular consequence: missense variant.
Genome position (GRCh38, 1-based): chr2:47,813,336, T>C on the plus strand (A>G on the coding strand, the complement: FBXO11 is on the minus strand). VCF-style: chr2-47813336-T-C. GRCh37 (hg19) VCF-style: chr2-48040475-T-C.
Other names: c.1873A>G, p.Met625Val (NM_001374325.1, NM_025133.4); short protein forms M625V, M709V.
Identifiers: ClinVar variation 1329873 (VCV001329873.2), dbSNP rs2104658407, ClinGen allele CA346763388.
Genomic context (GRCh38, chr2:47,813,336, plus strand): 5'-CATGGATTTTATTTCTTCTTAGTGTAGGATTACTATCTGTCTTAATCCAGACTCCAGCCA[T>C]TGCATTGTCAAATATTTCATTGTCTTCTATACAGCCTAGACCTATAAATGCAAAAATGTA-3'
Protein context (NP_001177203.1, residues 699-719): IEDNEIFDNA[Met709Val]AGVWIKTDSN